The following is an entry in ClinVar:

NM_001314050.5(LOC102724652):c.225C>T (p.Leu75=)

Gene: LOC102724652 (crystallin alpha A2; plus strand). Cytogenetic location: 21p12.
Variant type: single nucleotide variant.
Coding change: c.225C>T on transcript NM_001314050.5; coding-DNA position 225, C replaced by T.
Protein change: p.Leu75=; no amino-acid change (leucine 75 retained).
Molecular consequence: synonymous variant.
Genome position (GRCh38, 1-based): chr21:6,562,236, C>T. VCF-style: chr21-6562236-C-T.
Other names: c.114C>T, p.Leu38= (NM_001320719.1).
Identifiers: ClinVar variation 3352864 (VCV003352864.1).
Genomic context (GRCh38, chr21:6,562,236, plus strand): 5'-TCCACATGGCACGTTTGGATTTCAGGTTCGATCCGACCGGGACAAGTTCGTCATCTTCCT[C>T]GATGTGAAGCACTTCTCCCCGGAGGACCTCACCGTGAAGGTGCAGGACGACTTTGTGGAG-3'

ClinVar aggregate classification (germline): Likely benign (0 of 4 stars; one submission).

Conditions:
CRYAA2-related condition.

Submission:

PreventionGenetics, part of Exact Sciences
Classification: Likely benign for CRYAA2-related condition. Last evaluated: 2019-02-20. Review status: no assertion criteria provided. Collection method: clinical testing. Allele origin: germline.
Comment: This variant is classified as likely benign based on ACMG/AMP sequence variant interpretation guidelines (Richards et al. 2015 PMID: 25741868, with internal and published modifications).